The following is an entry in ClinVar:

NM_000127.3(EXT1):c.871G>A (p.Asp291Asn)

Gene: EXT1 (exostosin glycosyltransferase 1; minus strand). Cytogenetic location: 8q24.11.
Variant type: single nucleotide variant.
Coding change: c.871G>A on transcript NM_000127.3 (MANE Select); coding-DNA position 871, G replaced by A.
Protein change: p.Asp291Asn; replaces aspartic acid 291 with asparagine.
Molecular consequence: missense variant.
Genome position (GRCh38, 1-based): chr8:118,110,176, C>T on the plus strand (G>A on the coding strand, the complement: EXT1 is on the minus strand). VCF-style: chr8-118110176-C-T. GRCh37 (hg19) VCF-style: chr8-119122415-C-T.
Other names: short protein forms D291N.
Identifiers: ClinVar variation 2904377 (VCV002904377.3), dbSNP rs1423177713, ClinGen allele CA371914870.
Genomic context (GRCh38, chr8:118,110,176, plus strand): 5'-GAGAATCCTTGTGCTTTTGCCAGTCTTTGCCATGCTTGCAGGTGGTGAGGAGCACAACGT[C>T]CTCCCCGTTATGGACGTGATATAAGGCATTCCTGGTGTCTGATCCTATCCCTGTCAGGTA-3'
Protein context (NP_000118.2, residues 281-301): NALYHVHNGE[Asp291Asn]VVLLTTCKHG

ClinVar aggregate classification (germline): Uncertain significance (1 of 4 stars; one submission).

Conditions:
Multiple congenital exostosis (EXT). Also called: Hereditary multiple exostoses; Hereditary multiple exostosis; Hereditary multiple osteochondromas; Multiple exostoses; MULTIPLE CARTILAGINOUS EXOSTOSES; Multiple osteochondromas. Identifiers: Orphanet 321, MedGen C0015306, MONDO:0005508, HP:0002762.

Allele frequency attached by ClinVar (database versions not stated): gnomAD 0.00001; TOPMed 0.00001.
gnomAD v4.1: 2 of 1,614,054 alleles (0.00012%); highest among the groups gnomAD compares: African/African-American, 0.0013%; no homozygotes.

Submission:

Labcorp Genetics (formerly Invitae), Labcorp
Classification: Uncertain significance for Multiple congenital exostosis. Last evaluated: 2023-06-02. Review status: criteria provided, single submitter. Criteria: Invitae Variant Classification Sherloc (09022015). Collection method: clinical testing. Allele origin: germline.
Comment: This variant is not present in population databases (gnomAD no frequency). In summary, the available evidence is currently insufficient to determine the role of this variant in disease. Therefore, it has been classified as a Variant of Uncertain Significance. Advanced modeling of protein sequence and biophysical properties (such as structural, functional, and spatial information, amino acid conservation, physicochemical variation, residue mobility, and thermodynamic stability) performed at Invitae indicates that this missense variant is not expected to disrupt EXT1 protein function. This variant has not been reported in the literature in individuals affected with EXT1-related conditions. This sequence change replaces aspartic acid, which is acidic and polar, with asparagine, which is neutral and polar, at codon 291 of the EXT1 protein (p.Asp291Asn).